The following is an entry in ClinVar:

NM_001844.5(COL2A1):c.312A>G (p.Gly104=)

Gene: COL2A1 (collagen type II alpha 1 chain; minus strand). Cytogenetic location: 12q13.11.
Variant type: single nucleotide variant.
Coding change: c.312A>G on transcript NM_001844.5 (MANE Select); coding-DNA position 312, A replaced by G.
Protein change: p.Gly104=; no amino-acid change (glycine 104 retained).
Molecular consequence: synonymous variant.
Genome position (GRCh38, 1-based): chr12:47,998,199, T>C on the plus strand (A>G on the coding strand, the complement: COL2A1 is on the minus strand). VCF-style: chr12-47998199-T-C. GRCh37 (hg19) VCF-style: chr12-48391982-T-C.
Other names: c.105A>G, p.Gly35= (NM_033150.3).
Identifiers: ClinVar variation 734396 (VCV000734396.12), dbSNP rs139205058, ClinGen allele CA6536018.

ClinVar aggregate classification (germline): Likely benign. Review status: criteria provided, multiple submitters, no conflicts (2 of 4 stars). 4 submissions from 4 submitters: Likely benign (4). Last evaluated 2025-05-26.

Conditions:
Achondrogenesis type II (ACG2). Also called: ACHONDROGENESIS, LANGER-SALDINO TYPE; CHONDROGENESIS IMPERFECTA. Identifiers: Orphanet 932, Orphanet 93296, MedGen C0220685, MONDO:0008702, OMIM 200610.
Spondylometaphyseal dysplasia - Sutcliffe type. Also called: Spondylometaphyseal Dysplasia, Corner Fracture Type; Sutcliffe type of spondylometaphyseal dysplasia; Sutcliffe SMD; Spondylometaphyseal dysplasia, 'corner fracture' type. Identifiers: Orphanet 93315, MedGen C0432221, MONDO:0008479, OMIM 184255.
Platyspondylic dysplasia, Torrance type (PLSDT). Identifiers: Orphanet 85166, MedGen C1835437, MONDO:0007895, OMIM 151210.
Multiple epiphyseal dysplasia, Beighton type. Identifiers: Orphanet 166011, MedGen C1851536, MONDO:0007562, OMIM 132450.
Spondyloepimetaphyseal dysplasia, Strudwick type (SEMDSTWK). Also called: DAPPLED METAPHYSIS SYNDROME; STRUDWICK SYNDROME. Identifiers: Orphanet 93346, MedGen C0700635, MONDO:0008476, OMIM 184250.
Stickler syndrome, type I, nonsyndromic ocular. Also called: STICKLER SYNDROME, ATYPICAL; STICKLER SYNDROME, TYPE I, PREDOMINANTLY OCULAR. Identifiers: MedGen C1836080, MONDO:0012287, OMIM 609508.
Spondyloperipheral dysplasia. Also called: SPONDYLOPERIPHERAL DYSPLASIA WITH SHORT ULNA; Spondyloperipheral dysplasia-short ulna syndrome. Identifiers: Orphanet 1856, MedGen C0796173, MONDO:0010078, OMIM 271700.
Stickler syndrome type 1 (STL1). Also called: COL2A1-Related Stickler Syndrome; STICKLER SYNDROME, MEMBRANOUS VITREOUS TYPE; ARTHROOPHTHALMOPATHY, HEREDITARY PROGRESSIVE; STICKLER SYNDROME, VITREOUS TYPE 1. Identifiers: Orphanet 828, Orphanet 90653, MedGen C2020284, MONDO:0007160, OMIM 108300.
Kniest dysplasia. Identifiers: Orphanet 485, MedGen C0265279, MONDO:0007987, OMIM 156550.
Legg-Calve-Perthes disease. Also called: PERTHES DISEASE; Osteochondritis deformans; Coxa plana; Avascular necrosis of the capital femoral epiphysis. Identifiers: Orphanet 2380, MedGen C1442965, MONDO:0007885, OMIM 150600, HP:0005743.
Spondyloepiphyseal dysplasia with metatarsal shortening. Also called: CZECH DYSPLASIA, METATARSAL TYPE; SPONDYLOEPIPHYSEAL DYSPLASIA WITH PRECOCIOUS OSTEOARTHRITIS; Pseudorheumatoid dysplasia progressive, with hypoplastic toes. Identifiers: Orphanet 137678, MedGen C1836683, MONDO:0012206, OMIM 609162.
Namaqualand hip dysplasia (OSCDP). Also called: Mild spondyloepiphyseal dysplasia due to COL2A1 mutation with early-onset osteoarthritis. Identifiers: Orphanet 93279, MedGen C0432214, MONDO:0011496, OMIM 604864.
Avascular necrosis of femoral head, primary, 1 (ANFH1). Also called: Avascular necrosis of femoral head, primary. Identifiers: Orphanet 86820, MedGen C4551562, MONDO:0054550, OMIM 608805.
Spondyloepiphyseal dysplasia, Stanescu type. Also called: SED, STANESCU TYPE; SPONDYLOEPIMETAPHYSEAL DYSPLASIA, STANESCU TYPE. Identifiers: Orphanet 459051, MedGen C4225273, MONDO:0014701, OMIM 616583.
Vitreoretinopathy with phalangeal epiphyseal dysplasia (VPED). Identifiers: MedGen C1852989, MONDO:0031001, OMIM 619248.
Spondyloepiphyseal dysplasia congenita (SEDC). Also called: SED CONGENITA; SPONDYLOEPIPHYSEAL DYSPLASIA, CONGENITAL TYPE. Identifiers: Orphanet 94068, MedGen C2745959, MONDO:0008471, OMIM 183900.
COL2A1-related disorder. Also called: COL2A1-related condition; COL2A1-related disorders.

Allele frequency attached by ClinVar (database versions not stated): TOPMed below 0.00001; gnomAD 0.00003; gnomAD exomes 0.00005 and 0.00006; ExAC 0.00006; 1000 Genomes Project 30x 0.00047; 1000 Genomes Project 0.00060.
gnomAD v4.1: 89 of 1,614,094 alleles (0.0055%); highest among the groups gnomAD compares: East Asian, 0.2%; no homozygotes.

Submissions (4):

Labcorp Genetics (formerly Invitae), Labcorp
Classification: Likely benign. Last evaluated: 2025-05-26. Review status: criteria provided, single submitter. Criteria: Invitae Variant Classification Sherloc (09022015). Collection method: clinical testing. Allele origin: germline.

PreventionGenetics, part of Exact Sciences
Classification: Likely benign for COL2A1-related condition. Last evaluated: 2025-03-28. Review status: criteria provided, single submitter. Criteria: ACMG Guidelines, 2015. Collection method: clinical testing. Allele origin: germline.
Comment: This variant is classified as likely benign based on ACMG/AMP sequence variant interpretation guidelines (Richards et al. 2015 PMID: 25741868, with internal and published modifications).

Fulgent Genetics
Classification: Likely benign for Stickler syndrome type 1; Multiple epiphyseal dysplasia, Beighton type; Legg-Calve-Perthes disease; Platyspondylic dysplasia, Torrance type; Kniest dysplasia; Spondyloepiphyseal dysplasia congenita; Spondyloepimetaphyseal dysplasia, Strudwick type; Spondylometaphyseal dysplasia - Sutcliffe type; Achondrogenesis type II; Spondyloperipheral dysplasia; Namaqualand hip dysplasia; Avascular necrosis of femoral head, primary, 1; Spondyloepiphyseal dysplasia with metatarsal shortening; Stickler syndrome, type I, nonsyndromic ocular; Spondyloepiphyseal dysplasia, Stanescu type; Vitreoretinopathy with phalangeal epiphyseal dysplasia. Last evaluated: 2022-03-11. Review status: criteria provided, single submitter. Criteria: ACMG Guidelines, 2015. Collection method: clinical testing. Allele origin: unknown.

Blueprint Genetics
Classification: Likely benign. Last evaluated: 2020-12-14. Review status: criteria provided, single submitter. Criteria: ACMG Guidelines, 2015. Collection method: clinical testing. Allele origin: germline.